The following is an entry in ClinVar:

ClinVar aggregate classification (germline): Uncertain significance (1 of 4 stars; one submission).

Conditions:
Charcot-Marie-Tooth disease type 4. Also called: Charcot-Marie-Tooth, Type 4; Charcot-Marie-Tooth disease, type IV. Identifiers: Orphanet 64749, MedGen C4082197, MONDO:0018995.

Allele frequency attached by ClinVar (database versions not stated): gnomAD exomes 0.00001.
gnomAD v4.1: 4 of 1,613,066 alleles (0.00025%); highest among the groups gnomAD compares: Non-Finnish European, 0.00034%; no homozygotes.

Submission:

Labcorp Genetics (formerly Invitae), Labcorp
Classification: Uncertain significance for Charcot-Marie-Tooth disease type 4. Last evaluated: 2022-08-20. Review status: criteria provided, single submitter. Criteria: Invitae Variant Classification Sherloc (09022015). Collection method: clinical testing. Allele origin: germline.
Comment: In summary, the available evidence is currently insufficient to determine the role of this variant in disease. Therefore, it has been classified as a Variant of Uncertain Significance. Algorithms developed to predict the effect of missense changes on protein structure and function (SIFT, PolyPhen-2, Align-GVGD) all suggest that this variant is likely to be tolerated. This variant has not been reported in the literature in individuals affected with FIG4-related conditions. This variant is not present in population databases (gnomAD no frequency). This sequence change replaces tyrosine, which is neutral and polar, with cysteine, which is neutral and slightly polar, at codon 268 of the FIG4 protein (p.Tyr268Cys).

NM_014845.6(FIG4):c.803A>G (p.Tyr268Cys)

Gene: FIG4 (FIG4 phosphoinositide 5-phosphatase; plus strand). Cytogenetic location: 6q21.
Variant type: single nucleotide variant.
Coding change: c.803A>G on transcript NM_014845.6 (MANE Select); coding-DNA position 803, A replaced by G.
Protein change: p.Tyr268Cys; replaces tyrosine 268 with cysteine.
Molecular consequence: missense variant.
Genome position (GRCh38, 1-based): chr6:109,741,471, A>G. VCF-style: chr6-109741471-A-G. GRCh37 (hg19) VCF-style: chr6-110062674-A-G.
Other names: short protein forms Y268C.
Identifiers: ClinVar variation 2419694 (VCV002419694.5), dbSNP rs991119750, ClinGen allele CA145136109.